The following is an entry in ClinVar:

NM_138713.4(NFAT5):c.3101A>G (p.Asp1034Gly)

Gene: NFAT5 (nuclear factor of activated T cells 5; plus strand). Cytogenetic location: 16q22.1.
Variant type: single nucleotide variant.
Coding change: c.3101A>G on transcript NM_138713.4 (MANE Select); coding-DNA position 3101, A replaced by G.
Protein change: p.Asp1034Gly; replaces aspartic acid 1034 with glycine.
Molecular consequence: missense variant.
Genome position (GRCh38, 1-based): chr16:69,692,926, A>G. VCF-style: chr16-69692926-A-G. GRCh37 (hg19) VCF-style: chr16-69726829-A-G.
Other names: c.3098A>G, p.Asp1033Gly (NM_001113178.3); c.2426A>G, p.Asp809Gly (NM_001367709.1); c.3047A>G, p.Asp1016Gly (NM_006599.4); c.2819A>G, p.Asp940Gly (NM_138714.4, NM_173214.3, NM_173215.3); short protein forms D1033G, D809G, D940G, D1016G, D1034G.
Identifiers: ClinVar variation 1351406 (VCV001351406.8), dbSNP rs1302095085, ClinGen allele CA396512251.

ClinVar aggregate classification (germline): Uncertain significance (1 of 4 stars; one submission).

Conditions:
Immunodeficiency. Identifiers: MedGen C0021051, MONDO:0021094, HP:0002721.

Allele frequency attached by ClinVar (database versions not stated): gnomAD exomes below 0.00001; TOPMed below 0.00001.

Submission:

Labcorp Genetics (formerly Invitae), Labcorp
Classification: Uncertain significance for Immunodeficiency. Last evaluated: 2021-05-05. Review status: criteria provided, single submitter. Criteria: Invitae Variant Classification Sherloc (09022015). Collection method: clinical testing. Allele origin: germline.
Comment: In summary, the available evidence is currently insufficient to determine the role of this variant in disease. Therefore, it has been classified as a Variant of Uncertain Significance. Algorithms developed to predict the effect of missense changes on protein structure and function (SIFT, PolyPhen-2, Align-GVGD) all suggest that this variant is likely to be tolerated, but these predictions have not been confirmed by published functional studies and their clinical significance is uncertain. This variant has not been reported in the literature in individuals with NFAT5-related conditions. This variant is not present in population databases (ExAC no frequency). This sequence change replaces aspartic acid with glycine at codon 940 of the NFAT5 protein (p.Asp940Gly). The aspartic acid residue is weakly conserved and there is a moderate physicochemical difference between aspartic acid and glycine.